The following is an entry in ClinVar:

NM_201253.3(CRB1):c.586A>T (p.Lys196Ter)

Gene: CRB1 (crumbs cell polarity complex component 1; plus strand). Cytogenetic location: 1q31.3.
Variant type: single nucleotide variant.
Coding change: c.586A>T on transcript NM_201253.3 (MANE Select); coding-DNA position 586, A replaced by T.
Protein change: p.Lys196Ter; replaces lysine 196 with a stop codon.
Molecular consequence: nonsense. On other transcripts: non-coding transcript variant (2).
Genome position (GRCh38, 1-based): chr1:197,328,937, A>T. VCF-style: chr1-197328937-A-T. GRCh37 (hg19) VCF-style: chr1-197298067-A-T.
Other names: c.586A>T, p.Lys196Ter (NM_001193640.2, NM_001257966.2); c.379A>T, p.Lys127Ter (NM_001257965.2); short protein forms K127*, K196*.
Identifiers: ClinVar variation 3757961 (VCV003757961.2).
Genomic context (GRCh38, chr1:197,328,937, plus strand): 5'-CCAGGATATCAAGGCAGACACTGCGACTTGGAAGTGGATGAATGTGCTTCAGATCCCTGC[A>T]AGAACGAGGCTACATGCCTCAATGAAATAGGAAGATATACTTGTATCTGTCCCCACAATT-3'

ClinVar aggregate classification (germline): Pathogenic (1 of 4 stars; one submission).

Conditions:
Leber congenital amaurosis 8 (LCA8). Identifiers: Orphanet 65, MedGen C3151202, MONDO:0013453, OMIM 613835.
Retinitis pigmentosa 12 (RP12). Also called: RP WITH OR WITHOUT PRESERVED PARAARTERIOLE RETINAL PIGMENT EPITHELIUM; RETINITIS PIGMENTOSA WITH OR WITHOUT PARAARTERIOLAR PRESERVATION OF RETINAL PIGMENT EPITHELIUM; RP WITH OR WITHOUT PPRPE. Identifiers: Orphanet 791, MedGen C1838647, MONDO:0010818, OMIM 600105.

Submission:

Labcorp Genetics (formerly Invitae), Labcorp
Classification: Pathogenic for Leber congenital amaurosis 8; Retinitis pigmentosa 12. Last evaluated: 2024-09-16. Review status: criteria provided, single submitter. Criteria: Invitae Variant Classification Sherloc (09022015). Collection method: clinical testing. Allele origin: germline.
Comment: This sequence change creates a premature translational stop signal (p.Lys196*) in the CRB1 gene. It is expected to result in an absent or disrupted protein product. Loss-of-function variants in CRB1 are known to be pathogenic (PMID: 10508521, 22065545, 23379534, 25412400, 26957898, 28041643, 29391521). This variant is not present in population databases (gnomAD no frequency). This variant has not been reported in the literature in individuals affected with CRB1-related conditions. For these reasons, this variant has been classified as Pathogenic.

Literature cited by the submitters: PubMed 10508521; PubMed 22065545; PubMed 23379534; PubMed 25412400; PubMed 26957898; PubMed 28041643; PubMed 29391521.